The following is an entry in ClinVar:

NM_001009999.3(KDM1A):c.2207C>T (p.Ala736Val)

Gene: KDM1A (lysine demethylase 1A; plus strand). Cytogenetic location: 1p36.12.
Variant type: single nucleotide variant.
Coding change: c.2207C>T on transcript NM_001009999.3 (MANE Select); coding-DNA position 2207, C replaced by T.
Protein change: p.Ala736Val; replaces alanine 736 with valine.
Molecular consequence: missense variant.
Genome position (GRCh38, 1-based): chr1:23,081,482, C>T. VCF-style: chr1-23081482-C-T. GRCh37 (hg19) VCF-style: chr1-23407975-C-T.
Other names: c.2153C>T, p.Ala718Val (NM_001363654.2); c.2213C>T, p.Ala738Val (NM_001410762.1); c.2135C>T, p.Ala712Val (NM_001410763.1, NM_015013.4); short protein forms A736V, A738V, A718V, A712V.
Identifiers: ClinVar variation 4622648 (VCV004622648.1).

ClinVar aggregate classification (germline): Uncertain significance (1 of 4 stars; one submission).

Conditions:
Inborn genetic diseases. Identifiers: MedGen C0950123, MeSH D030342.

Submission:

Ambry Genetics
Classification: Uncertain significance for Inborn genetic diseases. Last evaluated: 2025-09-26. Review status: criteria provided, single submitter. Criteria: Ambry Variant Classification Scheme 2023. Collection method: clinical testing. Allele origin: germline.
Comment: The p.A736V variant (also known as c.2207C>T), located in coding exon 19 of the KDM1A gene, results from a C to T substitution at nucleotide position 2207. The alanine at codon 736 is replaced by valine, an amino acid with similar properties. This amino acid position is conserved. In addition, this alteration is predicted to be deleterious by in silico analysis. Based on the available evidence, the clinical significance of this variant remains unclear.